The following is an entry in ClinVar:

ClinVar aggregate classification (germline): Uncertain significance (1 of 4 stars; one submission).

Conditions:
Marfan syndrome (MFS). Also called: MARFAN SYNDROME, TYPE I; Marfan syndrome type 1; Marfan's syndrome; Marfan syndrome, classic; FBN1-Related Marfan Syndrome. Identifiers: Orphanet 284963, Orphanet 558, MedGen C0024796, MONDO:0007947, OMIM 154700.
Familial thoracic aortic aneurysm and aortic dissection (TAAD). Also called: Thoracic aortic aneurysms and dissections. Identifiers: Orphanet 91387, MedGen C4707243, MONDO:0019625.

Submission:

Labcorp Genetics (formerly Invitae), Labcorp
Classification: Uncertain significance for Marfan syndrome; Familial thoracic aortic aneurysm and aortic dissection. Last evaluated: 2024-08-31. Review status: criteria provided, single submitter. Criteria: Invitae Variant Classification Sherloc (09022015). Collection method: clinical testing. Allele origin: germline.
Comment: This sequence change replaces glycine, which is neutral and non-polar, with glutamic acid, which is acidic and polar, at codon 1176 of the FBN1 protein (p.Gly1176Glu). This variant is not present in population databases (gnomAD no frequency). This variant has not been reported in the literature in individuals affected with FBN1-related conditions. Invitae Evidence Modeling of protein sequence and biophysical properties (such as structural, functional, and spatial information, amino acid conservation, physicochemical variation, residue mobility, and thermodynamic stability) indicates that this missense variant is expected to disrupt FBN1 protein function with a positive predictive value of 95%. In summary, the available evidence is currently insufficient to determine the role of this variant in disease. Therefore, it has been classified as a Variant of Uncertain Significance.

NM_000138.5(FBN1):c.3527G>A (p.Gly1176Glu)

Gene: FBN1 (fibrillin 1; minus strand). Cytogenetic location: 15q21.1.
Variant type: single nucleotide variant.
Coding change: c.3527G>A on transcript NM_000138.5 (MANE Select); coding-DNA position 3527, G replaced by A.
Protein change: p.Gly1176Glu; replaces glycine 1176 with glutamic acid.
Molecular consequence: missense variant.
Genome position (GRCh38, 1-based): chr15:48,487,137, C>T on the plus strand (G>A on the coding strand, the complement: FBN1 is on the minus strand). VCF-style: chr15-48487137-C-T. GRCh37 (hg19) VCF-style: chr15-48779334-C-T.
Other names: c.3527G>A, p.Gly1176Glu (NM_001406716.1); short protein forms G1176E.
Identifiers: ClinVar variation 3754079 (VCV003754079.2).